The following is an entry in ClinVar:

NM_000899.5(KITLG):c.15+6T>C

Gene: KITLG (KIT ligand; minus strand). Cytogenetic location: 12q21.32.
Variant type: single nucleotide variant.
Coding change: c.15+6T>C on transcript NM_000899.5 (MANE Select); 6 bases into the intron after coding-DNA position 15, T replaced by C.
Molecular consequence: intron variant.
Genome position (GRCh38, 1-based): chr12:88,580,258, A>G on the plus strand (T>C on the coding strand, the complement: KITLG is on the minus strand). VCF-style: chr12-88580258-A-G. GRCh37 (hg19) VCF-style: chr12-88974035-A-G.
Other names: c.15+6T>C (NM_003994.6).
Identifiers: ClinVar variation 2504592 (VCV002504592.2), dbSNP rs2499229491, ClinGen allele CA2580616832.
Genomic context (GRCh38, chr12:88,580,258, plus strand): 5'-TTCCCCGGGGCACCGGGCGCGATTTTTCCTGGAGAGCCTGGGAGCTCCCGGGCGCGCCCT[A>G]CTCACTTGTGTCTTCTTCATAAGGAAAGGCAGCGCTGCGATCCAGCACAAACAGTGGTGT-3'

ClinVar aggregate classification (germline): Uncertain significance (1 of 4 stars; one submission).

Conditions:
Waardenburg syndrome 2F. Also called: Waardenburg syndrome, IIa 2F. Identifiers: MedGen C5677013, MONDO:0030983, OMIM 619947.

Submission:

Center for Human Genetics and Genomic Medicine, Uniklinik Rwth Aachen
Classification: Uncertain significance for Waardenburg syndrome 2F. Last evaluated: 2020-12-09. Review status: criteria provided, single submitter. Criteria: ACMG Guidelines, 2015. Collection method: clinical testing. Allele origin: maternal. Inheritance: Autosomal dominant inheritance. Affected: yes.
Comment: The detected variant has not yet been reported in the relevant databases (dbSNP151, gnomAD, ClinVar) or in the literature. Bioinformatic prediction tools predict a negative effect on the canonical donor splice site of exon 1 (SSF, MaxENT). Based on current knowledge, the variant should be classified as a "variant of uncertain significance".